The following is an entry in ClinVar:

NC_000007.13:g.(?_150642443)_(151385353_?)dup

Genes: RHEB (Ras homolog, mTORC1 binding; minus strand), SLC4A2 (solute carrier family 4 member 2; plus strand), SMARCD3 (SWI/SNF related BAF chromatin remodeling complex subunit D3; minus strand), TMUB1 (transmembrane and ubiquitin like domain containing 1; minus strand), WDR86 (WD repeat domain 86; minus strand) and 16 more. Cytogenetic location: 7q36.1.
Variant type: Duplication.
Identifiers: ClinVar variation 830594 (VCV000830594.1).

ClinVar aggregate classification (germline): Uncertain significance (1 of 4 stars; one submission).

Conditions:
Long QT syndrome (LQTS). Identifiers: MedGen C0023976, MeSH D008133, MONDO:0002442. Disease mechanism: loss of function. Inheritance: Various modes of inheritance.

Submission:

Labcorp Genetics (formerly Invitae), Labcorp
Classification: Uncertain significance for Long QT syndrome. Last evaluated: 2019-10-07. Review status: criteria provided, single submitter. Criteria: Invitae Variant Classification Sherloc (09022015). Collection method: clinical testing. Allele origin: germline.
Comment: This variant results in a copy number gain of the genomic region encompassing the full coding sequence of the KCNH2 gene. The boundaries of this event are unknown as they extend beyond the assayed region for this gene and therefore may encompass additional genes. As the precise location of this event is unknown, it may be in tandem or it may be located elsewhere in the genome. This variant has not been reported in the literature in individuals with KCNH2-related conditions. In summary, the available evidence is currently insufficient to determine the role of this variant in disease. Therefore, it has been classified as a Variant of Uncertain Significance.